The following is an entry in ClinVar:

ClinVar aggregate classification (germline): Pathogenic/Likely pathogenic. Review status: criteria provided, multiple submitters, no conflicts (2 of 4 stars). 3 submissions from 3 submitters: Pathogenic (2); Likely pathogenic (1). Last evaluated 2025-06-05.

Conditions:
Rauch-Steindl syndrome (RAUST). Identifiers: Orphanet 659642, MedGen C5562061, MONDO:0859219, OMIM 619695.
NSD2-related disorder. Also called: NSD2 related disorders; NSD2-related condition.

Submissions (3):

Clinical Genetics Laboratory, Skane University Hospital Lund
Classification: Pathogenic for Rauch-Steindl syndrome. Last evaluated: 2025-06-05. Review status: criteria provided, single submitter. Criteria: ACMG Guidelines, 2015. Collection method: clinical testing. Allele origin: germline. Inheritance: Autosomal dominant inheritance. Affected: yes.
Comment: ACMG criterias used: PVS1, PS2 moderate and PM2

Labcorp Genetics (formerly Invitae), Labcorp
Classification: Pathogenic. Last evaluated: 2024-04-17. Review status: criteria provided, single submitter. Criteria: Invitae Variant Classification Sherloc (09022015). Collection method: clinical testing. Allele origin: germline.
Comment: This sequence change creates a premature translational stop signal (p.Arg755*) in the WHSC1 gene. It is expected to result in an absent or disrupted protein product. Loss-of-function variants in WHSC1 are known to be pathogenic (PMID: 31171569). This variant is not present in population databases (gnomAD no frequency). This premature translational stop signal has been observed in individual(s) with clinical features of Wolf-Hirschhorn-like syndrome (PMID: 33941880). ClinVar contains an entry for this variant (Variation ID: 2025192). Algorithms developed to predict the effect of sequence changes on RNA splicing suggest that this variant may disrupt the consensus splice site. For these reasons, this variant has been classified as Pathogenic.

Blueprint Genetics
Classification: Likely pathogenic for NSD2-related disorders. Last evaluated: 2022-01-14. Review status: criteria provided, single submitter. Criteria: ACMG Guidelines, 2015. Collection method: clinical testing. Allele origin: germline. Affected: yes. Observed: 1 variant allele.

Literature cited by the submitters: PubMed 31171569 (cited by Labcorp Genetics (formerly Invitae), Labcorp); PubMed 33941880 (cited by Labcorp Genetics (formerly Invitae), Labcorp).

NM_001042424.3(NSD2):c.2263C>T (p.Arg755Ter)

Gene: NSD2 (nuclear receptor binding SET domain protein 2; plus strand). Cytogenetic location: 4p16.3.
Variant type: single nucleotide variant.
Coding change: c.2263C>T on transcript NM_001042424.3 (MANE Select); coding-DNA position 2263, C replaced by T.
Protein change: p.Arg755Ter; replaces arginine 755 with a stop codon.
Molecular consequence: nonsense.
Genome position (GRCh38, 1-based): chr4:1,953,449, C>T. VCF-style: chr4-1953449-C-T. GRCh37 (hg19) VCF-style: chr4-1955176-C-T.
Other names: c.2263C>T, p.Arg755Ter (NM_133330.3, NM_133331.3, NM_133335.4); short protein forms R755*.
Identifiers: ClinVar variation 2025192 (VCV002025192.6), dbSNP rs2474621918, ClinGen allele CA355986901.